The following is an entry in ClinVar:

ClinVar aggregate classification (germline): Uncertain significance (1 of 4 stars; one submission).

gnomAD v4.1: 11 of 1,614,052 alleles (0.00068%); highest among the groups gnomAD compares: Non-Finnish European, 0.00093%; no homozygotes.

Submission:

Mayo Clinic Laboratories, Mayo Clinic
Classification: Uncertain significance. Last evaluated: 2025-10-31. Review status: criteria provided, single submitter. Criteria: ACMG Guidelines, 2015. Collection method: clinical testing. Allele origin: germline. Observed: 1 variant allele.
Comment: BS2

NM_004863.4(SPTLC2):c.577G>T (p.Ala193Ser)

Gene: SPTLC2 (serine palmitoyltransferase long chain base subunit 2; minus strand). Cytogenetic location: 14q24.3.
Variant type: single nucleotide variant.
Coding change: c.577G>T on transcript NM_004863.4 (MANE Select); coding-DNA position 577, G replaced by T.
Protein change: p.Ala193Ser; replaces alanine 193 with serine.
Molecular consequence: missense variant.
Genome position (GRCh38, 1-based): chr14:77,576,821, C>A on the plus strand (G>T on the coding strand, the complement: SPTLC2 is on the minus strand). VCF-style: chr14-77576821-C-A. GRCh37 (hg19) VCF-style: chr14-78043164-C-A.
Other names: p.Ala193Ser; short protein forms A193S.
Identifiers: ClinVar variation 4541894 (VCV004541894.1).